The following is an entry in ClinVar:

NM_000256.3(MYBPC3):c.3751T>C (p.Tyr1251His)

Gene: MYBPC3 (myosin binding protein C3; minus strand). Cytogenetic location: 11p11.2.
Variant type: single nucleotide variant.
Coding change: c.3751T>C on transcript NM_000256.3 (MANE Select); coding-DNA position 3751, T replaced by C.
Protein change: p.Tyr1251His; replaces tyrosine 1251 with histidine.
Molecular consequence: missense variant.
Genome position (GRCh38, 1-based): chr11:47,332,135, A>G on the plus strand (T>C on the coding strand, the complement: MYBPC3 is on the minus strand). VCF-style: chr11-47332135-A-G. GRCh37 (hg19) VCF-style: chr11-47353686-A-G.
Other names: p.Y1251H:TAT>CAT; short protein forms Y1251H.
Identifiers: ClinVar variation 181020 (VCV000181020.18), dbSNP rs730880601, ClinGen allele CA014762.

ClinVar aggregate classification (germline): Conflicting classifications of pathogenicity. Review status: criteria provided, conflicting classifications (1 of 4 stars). 7 submissions from 7 submitters: Pathogenic (1); Likely pathogenic (2); Uncertain significance (4). Last evaluated 2026-08-18.

Conditions:
Cardiovascular phenotype. Identifiers: MedGen CN230736.
MYBPC3-related disorder. Also called: MYBPC3-related disorders; MYBPC3-related condition; MYBPC3-related disease.
Hypertrophic cardiomyopathy. Also called: HYPERTROPHIC MYOCARDIOPATHY. Identifiers: Orphanet 217569, MedGen C0007194, MeSH D002312, MONDO:0005045, HP:0001639.
Hypertrophic cardiomyopathy 4. Also called: Familial hypertrophic cardiomyopathy 4. Identifiers: MedGen C1861862, MONDO:0007268, OMIM 115197.

Allele frequency attached by ClinVar (database versions not stated): gnomAD exomes 0.00001.
gnomAD v4.1: 11 of 1,613,710 alleles (0.00068%); highest among the groups gnomAD compares: Non-Finnish European, 0.00093%; no homozygotes.

Submissions (7):

Ambry Genetics
Classification: Likely pathogenic for Cardiovascular phenotype. Last evaluated: 2026-08-18. Review status: criteria provided, single submitter. Criteria: Ambry Variant Classification Scheme 2023. Collection method: clinical testing. Allele origin: germline.
Comment: The p.Y1251H variant (also known as c.3751T>C), located in coding exon 33 of the MYBPC3 gene, results from a T to C substitution at nucleotide position 3751. The tyrosine at codon 1251 is replaced by histidine, an amino acid with similar properties. This variant was reported in individual(s) with features consistent with hypertrophic cardiomyopathy (Lopes LR et al. Heart, 2015 Feb;101:294-301; Helms AS et al. Circ Genom Precis Med, 2020 Oct;13:396-405; Suay-Corredera C et al. J Biol Chem, 2021 Jul;297:100854; Stafford F et al. Genome Med, 2022 Dec;14:145). This amino acid position is highly conserved in available vertebrate species. In addition, this alteration is predicted to be deleterious by in silico analysis. This variant is considered to be rare based on population cohorts in the Genome Aggregation Database (gnomAD). Based on the majority of available evidence to date, this variant is likely to be pathogenic.

Labcorp Genetics (formerly Invitae), Labcorp
Classification: Pathogenic for Hypertrophic cardiomyopathy. Last evaluated: 2025-12-13. Review status: criteria provided, single submitter. Criteria: Invitae Variant Classification Sherloc (09022015). Collection method: clinical testing. Allele origin: germline.
Comment: This sequence change replaces tyrosine, which is neutral and polar, with histidine, which is basic and polar, at codon 1251 of the MYBPC3 protein (p.Tyr1251His). This variant is not present in population databases (gnomAD no frequency). This missense change has been observed in individuals with hypertrophic cardiomyopathy (PMID: 25351510, 33782553, 36578016, 37652022; internal data). ClinVar contains an entry for this variant (Variation ID: 181020). An algorithm developed to predict the effect of missense changes on protein structure and function (PolyPhen-2) suggests that this variant is likely to be disruptive. Studies have shown that this missense change alters MYBPC3 gene expression (PMID: 34097875). For these reasons, this variant has been classified as Pathogenic.

Blueprint Genetics
Classification: Likely pathogenic for MYBPC3-related disorders. Last evaluated: 2023-11-13. Review status: criteria provided, single submitter. Criteria: ACMG Guidelines, 2015. Collection method: clinical testing. Allele origin: germline. Affected: yes. Observed: 3 variant alleles.

Victorian Clinical Genetics Services, Murdoch Childrens Research Institute
Classification: Uncertain significance for Hypertrophic cardiomyopathy 4. Last evaluated: 2020-10-19. Review status: criteria provided, single submitter. Criteria: ACMG Guidelines, 2015. Collection method: clinical testing. Allele origin: germline. Affected: yes.
Comment: Based on the classification scheme VCGS_Germline_v1.1.1, this variant is classified as 3A-VUS. Following criteria are met: 0102 - Loss-of-function is a known mechanism of disease for this gene. (N) 0108 - This gene is known to be associated with both recessive and dominant disease. Dominant inheritance is frequently reported in adult onset conditions, however recessive inheritance results in a more severe early onset phenotype (OMIM). (N) 0200 - Variant is predicted to result in a missense amino acid change from tyrosine to histidine (exon 33). (N) 0251 - Variant is heterozygous. (N) 0301 - Variant is absent from gnomAD. (P) 0501 - Missense variant consistently predicted to be damaging by multiple in silico tools, it is highly conserved with a moderate amino acid change. (P) 0600 - Variant is located in an annotated domain or motif (Immunoglobulin I-set domain; NCBI) (N) 0708 - Comparable variants have conflicting previous evidence for pathogenicity. p.(Tyr1251Cys) reported once in a cohort of 874 HCM patients and as a variant of uncertain significance in ClinVar (ClinVar; PMID: 25351510) (N) 0804 - Variant is absent in the population and has previously been described as variant of uncertain significance in multiple independent cases with consistent phenotype (ClinVar, PMID: 25351510, 28408708, 27532257) (P) 0905 - No segregation evidence has been identified for this variant. (N) 1007 - No published functional evidence has been identified for this variant. (N) 1208 - Inheritance information for this variant is not currently available. (N) Legend: (P) - Pathogenic, (N) - Neutral, (B) - Benign

GeneDx
Classification: Uncertain significance. Last evaluated: 2017-03-30. Review status: criteria provided, single submitter. Criteria: GeneDx Variant Classification (06012015). Collection method: clinical testing. Allele origin: germline. Affected: yes.
Comment: A variant of uncertain significance has been identified in the MYBPC3 gene. The Y1251H variant has been reported as a rare variant in one individual from an HCM-affected cohort (Lopes et al. 2015); however, additional clinical information, segregation data and functional studies were not provided. Nevertheless, this variant is not observed in large population cohorts (Lek et al., 2016; 1000 Genomes Consortium et al., 2015; Exome Variant Server). The Y1251H variant is a non-conservative amino acid substitution, which is likely to impact secondary protein structure as these residues differ in polarity, charge, size and/or other properties. Finally, this substitution occurs at a position that is conserved across species, and in silico analysis predicts this variant is probably damaging to the protein structure/function.

Laboratory for Molecular Medicine, Mass General Brigham Personalized Medicine
Classification: Uncertain significance. Last evaluated: 2016-07-18. Review status: criteria provided, single submitter. Criteria: LMM Criteria. Collection method: clinical testing. Allele origin: germline. Observed: 1 variant allele.
Comment: Variant classified as Uncertain Significance - Favor Pathogenic. The p.Tyr1251Hi s variant in MYBPC3 has not been previously reported in individuals with cardiom yopathy or in large population studies. Tyrosine (Tyr) at position 1251 is highl y conserved in mammals and across evolutionarily distant species and the change to Histidine (His) was predicted to be pathogenic using a computational tool cli nically validated by our laboratory. This tool's pathogenic prediction is estima ted to be correct 94% of the time (Jordan 2011). In summary, while there is some suspicion for a pathogenic role, the clinical significance of the p.Tyr1251His variant is uncertain.

Stanford Center for Inherited Cardiovascular Disease, Stanford University
Classification: Uncertain significance. Last evaluated: 2011-11-17. Review status: criteria provided, single submitter. Criteria: ACMG Guidelines, 2015. Collection method: provider interpretation. Allele origin: germline.

Literature cited by the submitters: PubMed 25351510 (cited by 3 submitters); PubMed 27532257 (cited by Ambry Genetics and Victorian Clinical Genetics Services, Murdoch Childrens Research Institute); PubMed 28408708 (cited by Ambry Genetics and Victorian Clinical Genetics Services, Murdoch Childrens Research Institute); PubMed 32841044 (cited by Ambry Genetics); PubMed 34097875 (cited by Ambry Genetics and Labcorp Genetics (formerly Invitae), Labcorp); PubMed 36578016 (cited by Ambry Genetics and Labcorp Genetics (formerly Invitae), Labcorp); PubMed 33782553 (cited by Labcorp Genetics (formerly Invitae), Labcorp); PubMed 37652022 (cited by Labcorp Genetics (formerly Invitae), Labcorp).